The following is an entry in ClinVar:

ClinVar aggregate classification (germline): Uncertain significance. Review status: criteria provided, multiple submitters, no conflicts (2 of 4 stars). 2 submissions from 2 submitters: Uncertain significance (2). Last evaluated 2025-05-19.

Conditions:
Inborn genetic diseases. Identifiers: MedGen C0950123, MeSH D030342.

Allele frequency attached by ClinVar (database versions not stated): gnomAD exomes below 0.00001.
gnomAD v4.1: 4 of 1,614,162 alleles (0.00025%); highest among the groups gnomAD compares: Non-Finnish European, 0.00025%; no homozygotes.

Submissions (2):

Ambry Genetics
Classification: Uncertain significance for Inborn genetic diseases. Last evaluated: 2025-05-19. Review status: criteria provided, single submitter. Criteria: Ambry Variant Classification Scheme 2023. Collection method: clinical testing. Allele origin: germline.

Labcorp Genetics (formerly Invitae), Labcorp
Classification: Uncertain significance. Last evaluated: 2022-06-22. Review status: criteria provided, single submitter. Criteria: Invitae Variant Classification Sherloc (09022015). Collection method: clinical testing. Allele origin: germline.
Comment: This sequence change replaces serine, which is neutral and polar, with phenylalanine, which is neutral and non-polar, at codon 1058 of the HPS5 protein (p.Ser1058Phe). This variant is not present in population databases (gnomAD no frequency). This variant has not been reported in the literature in individuals affected with HPS5-related conditions. Algorithms developed to predict the effect of missense changes on protein structure and function are either unavailable or do not agree on the potential impact of this missense change (SIFT: "Tolerated"; PolyPhen-2: "Possibly Damaging"; Align-GVGD: "Class C0"). In summary, the available evidence is currently insufficient to determine the role of this variant in disease. Therefore, it has been classified as a Variant of Uncertain Significance.

NM_181507.2(HPS5):c.3173C>T (p.Ser1058Phe)

Gene: HPS5 (HPS5 biogenesis of lysosomal organelles complex 2 subunit 2; minus strand). Cytogenetic location: 11p15.1.
Variant type: single nucleotide variant.
Coding change: c.3173C>T on transcript NM_181507.2 (MANE Select); coding-DNA position 3173, C replaced by T.
Protein change: p.Ser1058Phe; replaces serine 1058 with phenylalanine.
Molecular consequence: missense variant.
Genome position (GRCh38, 1-based): chr11:18,282,106, G>A on the plus strand (C>T on the coding strand, the complement: HPS5 is on the minus strand). VCF-style: chr11-18282106-G-A. GRCh37 (hg19) VCF-style: chr11-18303653-G-A.
Other names: c.2831C>T, p.Ser944Phe (NM_007216.4, NM_181508.2); short protein forms S1058F, S944F.
Identifiers: ClinVar variation 2009448 (VCV002009448.2), dbSNP rs1409479051, ClinGen allele CA379511722.